The following is an entry in ClinVar:

ClinVar aggregate classification (germline): Uncertain significance. Review status: criteria provided, multiple submitters, no conflicts (2 of 4 stars). 2 submissions from 2 submitters: Uncertain significance (2). Last evaluated 2026-01-27.

Conditions:
Inborn genetic diseases. Identifiers: MedGen C0950123, MeSH D030342.

Allele frequency attached by ClinVar (database versions not stated): gnomAD 0.00001; ExAC 0.00002; TOPMed 0.00002; gnomAD exomes 0.00006.

Submissions (2):

GeneDx
Classification: Uncertain significance. Last evaluated: 2026-01-27. Review status: criteria provided, single submitter. Criteria: GeneDx Variant Classification Process June 2021. Collection method: clinical testing. Allele origin: germline.
Comment: Not observed at significant frequency in large population cohorts (gnomAD); In silico analysis suggests that this missense variant does not alter protein structure/function; Has not been previously published as pathogenic or benign to our knowledge

Ambry Genetics
Classification: Uncertain significance for Inborn genetic diseases. Last evaluated: 2022-10-26. Review status: criteria provided, single submitter. Criteria: Ambry Variant Classification Scheme 2023. Collection method: clinical testing. Allele origin: germline.

NM_001128159.3(VPS53):c.1499T>C (p.Ile500Thr)

Gene: VPS53 (VPS53 subunit of GARP complex; minus strand). Cytogenetic location: 17p13.3.
Variant type: single nucleotide variant.
Coding change: c.1499T>C on transcript NM_001128159.3 (MANE Select); coding-DNA position 1499, T replaced by C.
Protein change: p.Ile500Thr; replaces isoleucine 500 with threonine.
Molecular consequence: missense variant.
Genome position (GRCh38, 1-based): chr17:562,560, A>G on the plus strand (T>C on the coding strand, the complement: VPS53 is on the minus strand). VCF-style: chr17-562560-A-G. GRCh37 (hg19) VCF-style: chr17-465800-A-G.
Other names: c.1499T>C, p.Ile500Thr (NM_001366253.2); c.905T>C, p.Ile302Thr (NM_001366254.2); c.1412T>C, p.Ile471Thr (NM_018289.4); short protein forms I302T, I500T, I471T.
Identifiers: ClinVar variation 2223008 (VCV002223008.3), dbSNP rs768751304, ClinGen allele CA8261383.